The following is an entry in ClinVar:

NM_007254.4(PNKP):c.1449-5G>T

Gene: PNKP (polynucleotide kinase 3'-phosphatase; minus strand). Cytogenetic location: 19q13.33.
Variant type: single nucleotide variant.
Coding change: c.1449-5G>T on transcript NM_007254.4 (MANE Select); 5 bases into the intron before coding-DNA position 1449, G replaced by T.
Molecular consequence: intron variant.
Genome position (GRCh38, 1-based): chr19:49,861,370, C>A on the plus strand (G>T on the coding strand, the complement: PNKP is on the minus strand). VCF-style: chr19-49861370-C-A. GRCh37 (hg19) VCF-style: chr19-50364627-C-A.
Identifiers: ClinVar variation 1096384 (VCV001096384.25), dbSNP rs1030404078, ClinGen allele CA309539652.
Genomic context (GRCh38, chr19:49,861,370, plus strand): 5'-GGATCTCCAGGATGGCAGAGAAGCCTTCAGCCAGCGTTGGGGCCTCGAACTGCTTCCTGG[C>A]AGTGGTGGGAACAGTGAGGGACAGCCTGGATCATGTGGCCCAGCCAGTGCCCCTGCCCCC-3'

ClinVar aggregate classification (germline): Conflicting classifications of pathogenicity. Review status: criteria provided, conflicting classifications (1 of 4 stars). 2 submissions from 2 submitters: Uncertain significance (1); Likely benign (1). Last evaluated 2024-08-01.

Conditions:
Developmental and epileptic encephalopathy, 12 (DEE12). Identifiers: MedGen C3150988, MONDO:0013389, OMIM 613722.

Allele frequency attached by ClinVar (database versions not stated): gnomAD exomes below 0.00001 and 0.00001; gnomAD 0.00001; TOPMed 0.00002.
gnomAD v4.1: 21 of 1,613,962 alleles (0.0013%); highest among the groups gnomAD compares: Non-Finnish European, 0.0017%; no homozygotes.

Submissions (2):

CeGaT Center for Human Genetics Tuebingen
Classification: Uncertain significance. Last evaluated: 2024-08-01. Review status: criteria provided, single submitter. Criteria: CeGaT Center For Human Genetics Tuebingen Variant Classification Criteria Version 2. Collection method: clinical testing. Allele origin: germline. Affected: yes. Observed: 1 variant allele.
Comment: PNKP: PM2, BP4

Labcorp Genetics (formerly Invitae), Labcorp
Classification: Likely benign for Developmental and epileptic encephalopathy, 12. Last evaluated: 2019-04-18. Review status: criteria provided, single submitter. Criteria: Invitae Variant Classification Sherloc (09022015). Collection method: clinical testing. Allele origin: germline.